The following is an entry in ClinVar:

NM_015030.2(FRYL):c.8963_8964del (p.Glu2988fs)

Gene: FRYL (FRY like transcription coactivator; minus strand). Cytogenetic location: 4p11.
Variant type: Microsatellite.
Coding change: c.8963_8964del on transcript NM_015030.2 (MANE Select); coding-DNA positions 8963 to 8964, 2 bases deleted (AG; older notation c.8963_8964delAG).
Protein change: p.Glu2988fs; shifts the reading frame from glutamic acid 2988.
Molecular consequence: frameshift variant.
Genome position (GRCh38, 1-based): chr4:48,499,500-48,499,501, CT deleted on the plus strand (AG on the coding strand, the reverse complement: FRYL is on the minus strand); deleting any 2 consecutive bases within chr4:48,499,500-48,499,505 gives the same sequence; the c. name uses the placement nearest the transcript's 3' end. VCF-style (leftmost placement, unchanged base first): chr4-48499499-ACT-A. GRCh37 (hg19) VCF-style: chr4-48501516-ACT-A.
Other names: short protein forms E2988fs.
Identifiers: ClinVar variation 5037476 (VCV005037476.1).
Genomic context (GRCh38, chr4:48,499,499, plus strand): 5'-CCATATTTCCCATTGGTTTGGCCTGTGCTAGAAGTTGGTATGATTGCACCATGCGTAGAG[ACT>A]CTCTTATTTCCAGATTAAGTTCCATCAGTTTGTAGTTGGCTTCTGACATGTCCAGGTTAG-3'

ClinVar aggregate classification (germline): Uncertain significance (1 of 4 stars; one submission).

Submission:

GeneDx
Classification: Uncertain significance. Last evaluated: 2026-04-24. Review status: criteria provided, single submitter. Criteria: GeneDx Variant Classification Process June 2021. Collection method: clinical testing. Allele origin: germline.
Comment: Not observed at significant frequency in large population cohorts (gnomAD); Has not been previously published as pathogenic or benign to our knowledge; Frameshift variant predicted to result in abnormal protein length as the last 26 amino acid(s) are replaced with 37 different amino acid(s) with an unclear effect on protein function